The following is an entry in ClinVar:

ClinVar aggregate classification (germline): Conflicting classifications of pathogenicity. Review status: criteria provided, conflicting classifications (1 of 4 stars). 3 submissions from 3 submitters: Uncertain significance (2); Likely benign (1). Last evaluated 2023-07-06.

Conditions:
Hereditary cancer-predisposing syndrome. Also called: Neoplastic Syndromes, Hereditary; Tumor predisposition; Hereditary Cancer Syndrome; Hereditary neoplastic syndrome. Identifiers: Orphanet 140162, MedGen C0027672, MeSH D009386, MONDO:0015356.

Submissions (3):

GeneDx
Classification: Uncertain significance. Last evaluated: 2023-07-06. Review status: criteria provided, single submitter. Criteria: GeneDx Variant Classification Process June 2021. Collection method: clinical testing. Allele origin: germline. Affected: yes.
Comment: Not observed at significant frequency in large population cohorts (gnomAD); In silico analysis supports that this missense variant has a deleterious effect on protein structure/function; Has not been previously published as pathogenic or benign to our knowledge; Also known as 3892G>C; This variant is associated with the following publications: (PMID: 9002670, 22193408, 31911673)

University of Washington Department of Laboratory Medicine, University of Washington
Classification: Likely benign for Hereditary cancer-predisposing syndrome. Last evaluated: 2023-03-23. Review status: criteria provided, single submitter. Criteria: Dines et al. (Genet Med. 2020). Collection method: curation. Allele origin: germline.
Comment: Missense variant in a coldspot region where missense variants are very unlikely to be pathogenic (PMID:31911673).

BRCA2 exon 11 coldspot. Reclassification based on statistical prior probability.

Ambry Genetics
Classification: Uncertain significance for Hereditary cancer-predisposing syndrome. Last evaluated: 2022-01-04. Review status: criteria provided, single submitter. Criteria: Ambry Variant Classification Scheme 2023. Collection method: clinical testing. Allele origin: germline.
Comment: The p.A1222P variant (also known as c.3664G>C), located in coding exon 10 of the BRCA2 gene, results from a G to C substitution at nucleotide position 3664. The alanine at codon 1222 is replaced by proline, an amino acid with highly similar properties. This amino acid position is conserved. In addition, this alteration is predicted to be deleterious by in silico analysis. Since supporting evidence is limited at this time, the clinical significance of this alteration remains unclear.

NM_000059.4(BRCA2):c.3664G>C (p.Ala1222Pro)

Gene: BRCA2 (BRCA2 DNA repair associated; plus strand). Cytogenetic location: 13q13.1.
Variant type: single nucleotide variant.
Coding change: c.3664G>C on transcript NM_000059.4 (MANE Select); coding-DNA position 3664, G replaced by C.
Protein change: p.Ala1222Pro; replaces alanine 1222 with proline.
Molecular consequence: missense variant.
Genome position (GRCh38, 1-based): chr13:32,338,019, G>C. VCF-style: chr13-32338019-G-C. GRCh37 (hg19) VCF-style: chr13-32912156-G-C.
Other names: c.3664G>C, p.Ala1222Pro (NM_001406719.1, NM_001406720.1); short protein forms A1222P.
Identifiers: ClinVar variation 1733711 (VCV001733711.5), dbSNP rs1555283343, ClinGen allele CA387777980.